The following is an entry in ClinVar:

ClinVar aggregate classification (germline): Uncertain significance. Review status: criteria provided, multiple submitters, no conflicts (2 of 4 stars). 4 submissions from 4 submitters: Uncertain significance (4). Last evaluated 2024-06-14.

Conditions:
Hereditary cancer-predisposing syndrome. Also called: Tumor predisposition; Hereditary Cancer Syndrome; Neoplastic Syndromes, Hereditary; Hereditary neoplastic syndrome. Identifiers: Orphanet 140162, MedGen C0027672, MeSH D009386, MONDO:0015356.
Microcephaly, normal intelligence and immunodeficiency (NBS). Also called: BERLIN BREAKAGE SYNDROME; Nijmegen breakage syndrome; Microcephaly with normal intelligence immunodeficiency and lymphoreticular malignancies; Nonsyndromal microcephaly autosomal recessive with normal intelligence; Seemanova syndrome 2; Ataxia telangiectasia variant V1. Identifiers: Orphanet 647, MedGen C0398791, MONDO:0009623, OMIM 251260.

Submissions (4):

Ambry Genetics
Classification: Uncertain significance for Hereditary cancer-predisposing syndrome. Last evaluated: 2024-06-14. Review status: criteria provided, single submitter. Criteria: Ambry Variant Classification Scheme 2023. Collection method: clinical testing. Allele origin: germline.
Comment: The p.V578L variant (also known as c.1732G>T), located in coding exon 11 of the NBN gene, results from a G to T substitution at nucleotide position 1732. The valine at codon 578 is replaced by leucine, an amino acid with highly similar properties. This alteration was not observed in 7,051 unselected female breast cancer patients and was observed with an allele frequency of 0.00009 in 11,241 female controls of Japanese ancestry (Momozawa Y et al. Nat Commun, 2018 10;9:4083). This amino acid position is not well conserved in available vertebrate species. In addition, this alteration is predicted to be tolerated by in silico analysis. Since supporting evidence is limited at this time, the clinical significance of this alteration remains unclear.

Blueprint Genetics
Classification: Uncertain significance. Last evaluated: 2024-04-09. Review status: criteria provided, single submitter. Criteria: ACMG Guidelines, 2015. Collection method: clinical testing. Allele origin: germline.

Genome-Nilou Lab
Classification: Uncertain significance for Microcephaly, normal intelligence and immunodeficiency. Last evaluated: 2021-11-07. Review status: criteria provided, single submitter. Criteria: ACMG Guidelines, 2015. Collection method: clinical testing. Allele origin: germline. Affected: no.

Labcorp Genetics (formerly Invitae), Labcorp
Classification: Uncertain significance for Microcephaly, normal intelligence and immunodeficiency. Last evaluated: 2020-03-03. Review status: criteria provided, single submitter. Criteria: Invitae Variant Classification Sherloc (09022015). Collection method: clinical testing. Allele origin: germline.
Comment: This sequence change replaces valine with leucine at codon 578 of the NBN protein (p.Val578Leu). The valine residue is weakly conserved and there is a small physicochemical difference between valine and leucine. This variant is not present in population databases (ExAC no frequency). This variant has not been reported in the literature in individuals with NBN-related conditions. ClinVar contains an entry for this variant (Variation ID: 485911). Algorithms developed to predict the effect of missense changes on protein structure and function (SIFT, PolyPhen-2, Align-GVGD) all suggest that this variant is likely to be tolerated, but these predictions have not been confirmed by published functional studies and their clinical significance is uncertain. In summary, the available evidence is currently insufficient to determine the role of this variant in disease. Therefore, it has been classified as a Variant of Uncertain Significance.

Literature cited by the submitters: PubMed 30287823 (cited by Ambry Genetics).

NM_002485.5(NBN):c.1732G>T (p.Val578Leu)

Gene: NBN (nibrin; minus strand). Cytogenetic location: 8q21.3.
Variant type: single nucleotide variant.
Coding change: c.1732G>T on transcript NM_002485.5 (MANE Select); coding-DNA position 1732, G replaced by T.
Protein change: p.Val578Leu; replaces valine 578 with leucine.
Molecular consequence: missense variant.
Genome position (GRCh38, 1-based): chr8:89,953,357, C>A on the plus strand (G>T on the coding strand, the complement: NBN is on the minus strand). VCF-style: chr8-89953357-C-A. GRCh37 (hg19) VCF-style: chr8-90965585-C-A.
Other names: c.1486G>T, p.Val496Leu (NM_001024688.3); short protein forms V578L, V496L.
Identifiers: ClinVar variation 485911 (VCV000485911.18), dbSNP rs1554558284, ClinGen allele CA371655216.
Genomic context (GRCh38, chr8:89,953,357, plus strand): 5'-CTATATCCATCCTTGGCCTTTTTCTAACATTGACATCTTCCTCCTGTTTTTGAACTTTCA[C>A]ATCAATTTCTAACTCTGGTTTTGTGTCCTTGAATAACTGTTCCAATACTTCATCTTCTAT-3'
Protein context (NP_002476.2, residues 568-588): KDTKPELEID[Val578Leu]KVQKQEEDVN